The following is an entry in ClinVar:

ClinVar aggregate classification (germline): Conflicting classifications of pathogenicity. Review status: criteria provided, conflicting classifications (1 of 4 stars). 10 submissions from 10 submitters: Uncertain significance (4); Likely benign (5). 1 of the submissions does not count toward it. Last evaluated 2025-12-16.

Conditions:
Hereditary diffuse leukoencephalopathy with spheroids. Also called: LEUKOENCEPHALOPATHY, ADULT-ONSET, WITH AXONAL SPHEROIDS AND PIGMENTED GLIA. Identifiers: Orphanet 313808, MedGen C3711381, MONDO:0030796.
Brain abnormalities, neurodegeneration, and dysosteosclerosis. Identifiers: MedGen C5193117, MONDO:0032772, OMIM 618476.
Leukoencephalopathy, diffuse hereditary, with spheroids 1 (HDLS1). Also called: CSF1R-related adult-onset leukoencephalopathy with axonal spheroids and pigmented glia; DEMENTIA, FAMILIAL, NEUMANN TYPE; SUBCORTICAL GLIOSIS OF NEUMANN. Identifiers: Orphanet 313808, MedGen C5561929, MONDO:0800027, OMIM 221820.
Inborn genetic diseases. Identifiers: MedGen C0950123, MeSH D030342.
CSF1R-related disorder. Also called: CSF1R-related condition. Identifiers: MedGen CN379780, MONDO:0100632.

Allele frequency attached by ClinVar (database versions not stated): gnomAD exomes 0.00043 and 0.00059; gnomAD 0.00044 and 0.00046; 1000 Genomes Project 30x 0.00047; 1000 Genomes Project 0.00060; ExAC 0.00063; ESP Exome Variant Server 0.00077; TOPMed 0.00036.

Submissions (10):

Labcorp Genetics (formerly Invitae), Labcorp
Classification: Likely benign. Last evaluated: 2025-12-16. Review status: criteria provided, single submitter. Criteria: Invitae Variant Classification Sherloc (09022015). Collection method: clinical testing. Allele origin: germline.

PreventionGenetics, part of Exact Sciences
Classification: Likely benign for CSF1R-related condition. Last evaluated: 2025-06-24. Review status: criteria provided, single submitter. Criteria: ACMG Guidelines, 2015. Collection method: clinical testing. Allele origin: germline.
Comment: This variant is classified as likely benign based on ACMG/AMP sequence variant interpretation guidelines (Richards et al. 2015 PMID: 25741868, with internal and published modifications).

GeneDx
Classification: Uncertain significance. Last evaluated: 2025-04-09. Review status: criteria provided, single submitter. Criteria: GeneDx Variant Classification Process June 2021. Collection method: clinical testing. Allele origin: germline. Affected: yes.
Comment: In silico analysis supports that this missense variant has a deleterious effect on protein structure/function; Reported in a patient with chronic myelomonocytic leukemia, but detailed clinical and segregation information were not provided (PMID: 18971950); This variant is associated with the following publications: (PMID: 18971950)

Blueprint Genetics
Classification: Likely benign. Last evaluated: 2024-10-21. Review status: criteria provided, single submitter. Criteria: ACMG Guidelines, 2015. Collection method: clinical testing. Allele origin: germline.

Mayo Clinic Laboratories, Mayo Clinic
Classification: Uncertain significance. Last evaluated: 2024-07-24. Review status: criteria provided, single submitter. Criteria: ACMG Guidelines, 2015. Collection method: clinical testing. Allele origin: germline. Observed: 1 variant allele.
Comment: BP4_moderate

Ambry Genetics
Classification: Uncertain significance for Inborn genetic diseases. Last evaluated: 2022-06-30. Review status: criteria provided, single submitter. Criteria: Ambry Variant Classification Scheme 2023. Collection method: clinical testing. Allele origin: germline.
Comment: Unlikely to be causative of AD hereditary diffuse leukoencephalopathy with spheroids Based on insufficient or conflicting evidence, the clinical significance of this alteration remains unclear.

CeGaT Center for Human Genetics Tuebingen
Classification: Uncertain significance. Last evaluated: 2019-06-01. Review status: criteria provided, single submitter. Criteria: CeGaT Center For Human Genetics Tuebingen Variant Classification Criteria Version 2. Collection method: clinical testing. Allele origin: germline. Affected: yes. Observed: 1 variant allele.

Clinical Genetics DNA and cytogenetics Diagnostics Lab, Erasmus MC, Erasmus Medical Center
Classification: Likely benign for Leukoencephalopathy, diffuse hereditary, with spheroids 1. Last evaluated: 2017-05-31. Review status: criteria provided, single submitter. Criteria: ACGS Guidelines, 2013. Collection method: clinical testing. Allele origin: germline. Affected: yes. Study: VKGL Data-share Consensus.

Illumina Laboratory Services, Illumina
Classification: Likely benign for Leukoencephalopathy, diffuse hereditary, with spheroids 1. Last evaluated: 2017-04-27. Review status: criteria provided, single submitter. Criteria: ICSL Variant Classification Criteria 13 December 2019. Collection method: clinical testing. Allele origin: germline.
Comment: This variant was observed as part of a predisposition screen in an ostensibly healthy population. A literature search was performed for the gene, cDNA change, and amino acid change (where applicable). No publications were found based on this search. Allele frequency data from public databases allowed determination this variant is unlikely to cause disease. Therefore, this variant is classified as likely benign.

Genome Diagnostics Laboratory, Amsterdam University Medical Center
Classification: Likely benign for Leukoencephalopathy, diffuse hereditary, with spheroids 1. Last evaluated: 2016-10-13. Review status: no assertion criteria provided. Criteria: ACGS Guidelines, 2013. Collection method: clinical testing. Allele origin: germline. Affected: yes. Study: VKGL Data-share Consensus. Not counted in ClinVar's aggregate classification.

NM_001288705.3(CSF1R):c.316C>T (p.Arg106Trp)

Gene: CSF1R (colony stimulating factor 1 receptor; minus strand). Cytogenetic location: 5q32.
Variant type: single nucleotide variant.
Coding change: c.316C>T on transcript NM_001288705.3 (MANE Select); coding-DNA position 316, C replaced by T.
Protein change: p.Arg106Trp; replaces arginine 106 with tryptophan.
Molecular consequence: missense variant. On other transcripts: 5 prime UTR variant (1), non-coding transcript variant (2).
Genome position (GRCh38, 1-based): chr5:150,080,328, G>A on the plus strand (C>T on the coding strand, the complement: CSF1R is on the minus strand). VCF-style: chr5-150080328-G-A. GRCh37 (hg19) VCF-style: chr5-149459891-G-A.
Other names: p.Arg106Trp; c.316C>T, p.Arg106Trp (NM_001349736.2, NM_001375320.1, NM_005211.4); c.-129C>T (NM_001375321.1); short protein forms R106W.
Identifiers: ClinVar variation 352169 (VCV000352169.63), dbSNP rs143025739, ClinGen allele CA3507205.